The following is an entry in ClinVar:

NM_000441.2(SLC26A4):c.87G>C (p.Glu29Asp)

Genes: SLC26A4 (solute carrier family 26 member 4; plus strand), SLC26A4-AS1 (SLC26A4 antisense RNA 1; minus strand). Cytogenetic location: 7q22.3.
Variant type: single nucleotide variant.
Coding change: c.87G>C on transcript NM_000441.2 (MANE Select); coding-DNA position 87, G replaced by C.
Protein change: p.Glu29Asp; replaces glutamic acid 29 with aspartic acid.
Molecular consequence: missense variant. On other transcripts: non-coding transcript variant (1).
Genome position (GRCh38, 1-based): chr7:107,661,728, G>C. VCF-style: chr7-107661728-G-C. GRCh37 (hg19) VCF-style: chr7-107302173-G-C.
Other names: short protein forms E29D.
Identifiers: ClinVar variation 1065202 (VCV001065202.1), dbSNP rs1554352240, ClinGen allele CA368845011.

ClinVar aggregate classification (germline): Likely pathogenic (1 of 4 stars; one submission).

Conditions:
Autosomal recessive nonsyndromic hearing loss 4 (DFNB4). Also called: Deafness, autosomal recessive 4, with enlarged vestibular aqueduct; FOXI1-Related Pendred Syndrome; KCNJ10-Related Pendred Syndrome; DEAFNESS, AUTOSOMAL RECESSIVE 4, WITH ENLARGED VESTIBULAR AQUEDUCT, DIGENIC; Deafness, autosomal recessive 4; NEUROSENSORY NONSYNDROMIC RECESSIVE DEAFNESS 4. Identifiers: Orphanet 90636, MedGen C3538946, MONDO:0010933, OMIM 600791.

Submission:

Precision Medicine Center, Zhengzhou University
Classification: Likely pathogenic for Autosomal recessive nonsyndromic hearing loss 4. Review status: criteria provided, single submitter. Criteria: ACMG Guidelines, 2015. Collection method: research. Allele origin: germline. Affected: yes.
Comment: PM2: not found in gnomAD PM3: Pathogenic mutation confirmed in trans in one patient PM5: Another pathogenic missense variant(c.85G>C, p.Glu29Gln) at the same codon PP4: Patient phenotype highly specific for gene